The following is an entry in ClinVar:

ClinVar aggregate classification (germline): Uncertain significance. Review status: criteria provided, single submitter (1 of 4 stars). 2 submissions from 2 submitters: Uncertain significance (1). 1 of the submissions does not count toward it. Last evaluated 2025-05-04.

Conditions:
PLXNA1-related disorder. Also called: PLXNA1-related condition.

Allele frequency attached by ClinVar (database versions not stated): TOPMed 0.00012; 1000 Genomes Project 30x 0.00016; gnomAD 0.00009.
gnomAD v4.1: 44 of 1,568,602 alleles (0.0028%); highest among the groups gnomAD compares: African/African-American, 0.039%; no homozygotes.

Submissions (2):

Ambry Genetics
Classification: Uncertain significance. Last evaluated: 2025-05-04. Review status: criteria provided, single submitter. Criteria: Ambry Variant Classification Scheme 2023. Collection method: clinical testing. Allele origin: germline.

PreventionGenetics, part of Exact Sciences
Classification: Uncertain significance for PLXNA1-related condition. Last evaluated: 2024-04-10. Review status: no assertion criteria provided. Collection method: clinical testing. Allele origin: germline. Not counted in ClinVar's aggregate classification.
Comment: The PLXNA1 c.1373G>A variant is predicted to result in the amino acid substitution p.Arg458His. To our knowledge, this variant has not been reported in the literature. This variant is reported in 0.017% of alleles in individuals of African descent in gnomAD. At this time, the clinical significance of this variant is uncertain due to the absence of conclusive functional and genetic evidence.

NM_032242.4(PLXNA1):c.1373G>A (p.Arg458His)

Gene: PLXNA1 (plexin A1; plus strand). Cytogenetic location: 3q21.3.
Variant type: single nucleotide variant.
Coding change: c.1373G>A on transcript NM_032242.4 (MANE Select); coding-DNA position 1373, G replaced by A.
Protein change: p.Arg458His; replaces arginine 458 with histidine.
Molecular consequence: missense variant.
Genome position (GRCh38, 1-based): chr3:126,991,562, G>A. VCF-style: chr3-126991562-G-A. GRCh37 (hg19) VCF-style: chr3-126710405-G-A.
Other names: short protein forms R458H.
Identifiers: ClinVar variation 2359558 (VCV002359558.6), dbSNP rs767186496, ClinGen allele CA2593209.